The following is an entry in ClinVar:

ClinVar aggregate classification (germline): Benign. Review status: criteria provided, multiple submitters, no conflicts (2 of 4 stars). 6 submissions from 5 submitters: Benign (6). Last evaluated 2024-11-27.

Conditions:
Tangier disease (TGD). Also called: HIGH DENSITY LIPOPROTEIN DEFICIENCY, TANGIER TYPE; HIGH DENSITY LIPOPROTEIN DEFICIENCY, TYPE 1; Cholesterol thesaurismosis. Identifiers: Orphanet 31150, MedGen C0039292, MONDO:0008783, OMIM 205400.
Hypoalphalipoproteinemia, primary, 1. Identifiers: Orphanet 425, MedGen C5231558, MONDO:0011393, OMIM 604091.

Allele frequency attached by ClinVar (database versions not stated): ESP Exome Variant Server 0.08917; gnomAD 0.09771; TOPMed 0.10570; 1000 Genomes Project 30x 0.13773; 1000 Genomes Project 0.14177; ExAC 0.17898.
gnomAD v4.1: 203,836 of 1,571,042 alleles (13%); highest among the groups gnomAD compares: South Asian, 23%; 14,702 homozygotes.

Submissions (6):

Blueprint Genetics
Classification: Benign. Last evaluated: 2024-11-27. Review status: criteria provided, single submitter. Criteria: ACMG Guidelines, 2015. Collection method: clinical testing. Allele origin: germline.

Women's Health and Genetics/Laboratory Corporation of America, LabCorp
Classification: Benign. Last evaluated: 2019-09-20. Review status: criteria provided, single submitter. Criteria: LabCorp Variant Classification Summary - May 2015. Collection method: clinical testing. Allele origin: germline.

GeneDx
Classification: Benign. Last evaluated: 2019-04-01. Review status: criteria provided, single submitter. Criteria: GeneDx Variant Classification Process June 2021. Collection method: clinical testing. Allele origin: germline. Affected: yes.

Illumina Laboratory Services, Illumina
Classification: Benign for Hypoalphalipoproteinemia, primary, 1. Last evaluated: 2018-01-13. Review status: criteria provided, single submitter. Criteria: ICSL Variant Classification Criteria 13 December 2019. Collection method: clinical testing. Allele origin: germline.
Comment: This variant was observed in the ICSL laboratory as part of a predisposition screen in an ostensibly healthy population. It had not been previously curated by ICSL or reported in the Human Gene Mutation Database (HGMD: prior to June 1st, 2018), and was therefore a candidate for classification through an automated scoring system. Utilizing variant allele frequency, disease prevalence and penetrance estimates, and inheritance mode, an automated score was calculated to assess if this variant is too frequent to cause the disease. Based on the score and internal cut-off values, a variant classified as benign is not then subjected to further curation. The score for this variant resulted in a classification of benign for this disease.

Illumina Laboratory Services, Illumina
Classification: Benign for Tangier disease. Last evaluated: 2018-01-13. Review status: criteria provided, single submitter. Criteria: ICSL Variant Classification Criteria 13 December 2019. Collection method: clinical testing. Allele origin: germline.
Comment: the same text as in the submission from Illumina Laboratory Services, Illumina above.

Breakthrough Genomics
Classification: Benign. Review status: criteria provided, single submitter. Criteria: ACMG Guidelines, 2015. Collection method: not provided. Allele origin: germline. Inheritance: Autosomal recessive inheritance. Affected: yes.

Literature cited by the submitters: PubMed 15520867 (cited by Women's Health and Genetics/Laboratory Corporation of America, LabCorp).

NM_005502.4(ABCA1):c.-18G>C

Gene: ABCA1 (ATP binding cassette subfamily A member 1; minus strand). Cytogenetic location: 9q31.1.
Variant type: single nucleotide variant.
Coding change: c.-18G>C on transcript NM_005502.4 (MANE Select); 18 bases upstream of the start codon, G replaced by C.
Molecular consequence: 5 prime UTR variant.
Genome position (GRCh38, 1-based): chr9:104,903,697, C>G on the plus strand (G>C on the coding strand, the complement: ABCA1 is on the minus strand). VCF-style: chr9-104903697-C-G. GRCh37 (hg19) VCF-style: chr9-107665978-C-G.
Identifiers: ClinVar variation 364468 (VCV000364468.10), dbSNP rs1800978, ClinGen allele CA5169527.